The following is an entry in ClinVar:

NM_032888.4(COL27A1):c.2956C>T (p.Arg986Trp)

Gene: COL27A1 (collagen type XXVII alpha 1 chain; plus strand). Cytogenetic location: 9q32.
Variant type: single nucleotide variant.
Coding change: c.2956C>T on transcript NM_032888.4 (MANE Select); coding-DNA position 2956, C replaced by T.
Protein change: p.Arg986Trp; replaces arginine 986 with tryptophan.
Molecular consequence: missense variant.
Genome position (GRCh38, 1-based): chr9:114,245,887, C>T. VCF-style: chr9-114245887-C-T. GRCh37 (hg19) VCF-style: chr9-117008167-C-T.
Other names: c.2956C>T (NM_032888.2); short protein forms R986W.
Identifiers: ClinVar variation 2138999 (VCV002138999.6), dbSNP rs751641724, ClinGen allele CA5202168.
Genomic context (GRCh38, chr9:114,245,887, plus strand): 5'-CTCCCATCCCAATCCATCCTCCTCTTTGTCTCTTTGCAGGGGGAACCAGGGGATCCTGGT[C>T]GGCCGGGGCCTGTGGGAGAGCAGGTTAGTTAGCAACGGTCTCTGAATGAGTGGCTCCATT-3'
Protein context (NP_116277.2, residues 976-996): GVKGEPGDPG[Arg986Trp]PGPVGEQGFM

ClinVar aggregate classification (germline): Uncertain significance. Review status: criteria provided, multiple submitters, no conflicts (2 of 4 stars). 2 submissions from 2 submitters: Uncertain significance (2). Last evaluated 2025-07-02.

Conditions:
Inborn genetic diseases. Identifiers: MedGen C0950123, MeSH D030342.

Allele frequency attached by ClinVar (database versions not stated): gnomAD 0.00007; TOPMed 0.00007.

Submissions (2):

Ambry Genetics
Classification: Uncertain significance for Inborn genetic diseases. Last evaluated: 2025-07-02. Review status: criteria provided, single submitter. Criteria: Ambry Variant Classification Scheme 2023. Collection method: clinical testing. Allele origin: germline.

Labcorp Genetics (formerly Invitae), Labcorp
Classification: Uncertain significance. Last evaluated: 2024-08-19. Review status: criteria provided, single submitter. Criteria: Invitae Variant Classification Sherloc (09022015). Collection method: clinical testing. Allele origin: germline.
Comment: This sequence change replaces arginine, which is basic and polar, with tryptophan, which is neutral and slightly polar, at codon 986 of the COL27A1 protein (p.Arg986Trp). This variant is present in population databases (rs751641724, gnomAD 0.04%). This variant has not been reported in the literature in individuals affected with COL27A1-related conditions. ClinVar contains an entry for this variant (Variation ID: 2138999). Invitae Evidence Modeling of protein sequence and biophysical properties (such as structural, functional, and spatial information, amino acid conservation, physicochemical variation, residue mobility, and thermodynamic stability) indicates that this missense variant is not expected to disrupt COL27A1 protein function with a negative predictive value of 80%. In summary, the available evidence is currently insufficient to determine the role of this variant in disease. Therefore, it has been classified as a Variant of Uncertain Significance.